The following is an entry in ClinVar:

ClinVar aggregate classification (germline): Uncertain significance (1 of 4 stars; one submission).

Conditions:
Inborn genetic diseases. Identifiers: MedGen C0950123, MeSH D030342.

Submission:

Ambry Genetics
Classification: Uncertain significance for Inborn genetic diseases. Last evaluated: 2026-08-02. Review status: criteria provided, single submitter. Criteria: Ambry Variant Classification Scheme 2023. Collection method: clinical testing. Allele origin: germline.
Comment: The p.P266R variant (also known as c.797C>G), located in coding exon 7 of the CEP57 gene, results from a C to G substitution at nucleotide position 797. The proline at codon 266 is replaced by arginine, an amino acid with dissimilar properties. This amino acid position is conserved. In addition, this alteration is predicted to be tolerated by in silico analysis. Based on the available evidence, the clinical significance of this variant remains unclear.

NM_014679.5(CEP57):c.797C>G (p.Pro266Arg)

Gene: CEP57 (centrosomal protein 57; plus strand). Cytogenetic location: 11q21.
Variant type: single nucleotide variant.
Coding change: c.797C>G on transcript NM_014679.5 (MANE Select); coding-DNA position 797, C replaced by G.
Protein change: p.Pro266Arg; replaces proline 266 with arginine.
Molecular consequence: missense variant. On other transcripts: intron variant (5).
Genome position (GRCh38, 1-based): chr11:95,821,968, C>G. VCF-style: chr11-95821968-C-G. GRCh37 (hg19) VCF-style: chr11-95555132-C-G.
Other names: c.770C>G, p.Pro257Arg (NM_001243776.2); c.797C>G, p.Pro266Arg (NM_001243777.2); c.716C>G, p.Pro239Arg (NM_001363604.2, NM_001440869.1, NM_001440870.1); c.583-531C>G (NM_001440879.1); c.582+3064C>G (NM_001440882.1); c.619-531C>G (NM_001440875.1); c.680C>G, p.Pro227Arg (NM_001440872.1, NM_001440876.1); c.617C>G, p.Pro206Arg (NM_001440873.1); and 5 more; short protein forms P257R, P167R, P179R, P239R, P200R, P206R, P227R, P266R.
Identifiers: ClinVar variation 5034381 (VCV005034381.1).